The following is an entry in ClinVar:

NM_000939.4(POMC):c.380G>T (p.Gly127Val)

Gene: POMC (proopiomelanocortin; minus strand). Cytogenetic location: 2p23.3.
Variant type: single nucleotide variant.
Coding change: c.380G>T on transcript NM_000939.4 (MANE Select); coding-DNA position 380, G replaced by T.
Protein change: p.Gly127Val; replaces glycine 127 with valine.
Molecular consequence: missense variant.
Genome position (GRCh38, 1-based): chr2:25,161,505, C>A on the plus strand (G>T on the coding strand, the complement: POMC is on the minus strand). VCF-style: chr2-25161505-C-A. GRCh37 (hg19) VCF-style: chr2-25384374-C-A.
Other names: c.380G>T, p.Gly127Val (NM_001035256.3, NM_001319204.2, NM_001319205.2); short protein forms G127V.
Identifiers: ClinVar variation 4988222 (VCV004988222.1).

ClinVar aggregate classification (germline): Uncertain significance (1 of 4 stars; one submission).

Conditions:
POMC-related disorder. Also called: POMC-related disorders; POMC-related condition.

gnomAD v4.1: 2 of 1,600,666 alleles (0.00012%); highest among the groups gnomAD compares: Admixed American, 0.0017%; no homozygotes.

Submission:

PreventionGenetics, part of Exact Sciences
Classification: Uncertain significance for POMC-related condition. Last evaluated: 2025-11-03. Review status: criteria provided, single submitter. Criteria: ACMG Guidelines, 2015. Collection method: clinical testing. Allele origin: germline.
Comment: The POMC c.380G>T variant is predicted to result in the amino acid substitution p.Gly127Val. This variant was observed in a cohort of individuals with obesity, and in vitro functional studies showed function similar to wild-type levels (Supplemental Data Set, Shah et al. 2023. PubMed ID: 36864747). This variant is reported in 0.0061% of alleles in individuals of Latino descent in gnomAD. At this time, the clinical significance of this variant is uncertain due to the absence of conclusive functional and genetic evidence.